The following is an entry in ClinVar:

ClinVar aggregate classification (germline): Pathogenic (1 of 4 stars; one submission).

Submission:

Labcorp Genetics (formerly Invitae), Labcorp
Classification: Pathogenic. Last evaluated: 2021-08-30. Review status: criteria provided, single submitter. Criteria: Invitae Variant Classification Sherloc (09022015). Collection method: clinical testing. Allele origin: germline.
Comment: This variant is not present in population databases (ExAC no frequency). For these reasons, this variant has been classified as Pathogenic. This variant has not been reported in the literature in individuals affected with NSD1-related conditions. This sequence change creates a premature translational stop signal (p.Leu1234*) in the NSD1 gene. It is expected to result in an absent or disrupted protein product. Loss-of-function variants in NSD1 are known to be pathogenic (PMID: 12464997, 14571271, 15942875, 16247291).

Literature cited by the submitters: PubMed 12464997; PubMed 14571271; PubMed 15942875; PubMed 16247291.

NM_022455.5(NSD1):c.3701T>G (p.Leu1234Ter)

Gene: NSD1 (nuclear receptor binding SET domain protein 1; plus strand). Cytogenetic location: 5q35.3.
Variant type: single nucleotide variant.
Coding change: c.3701T>G on transcript NM_022455.5 (MANE Select); coding-DNA position 3701, T replaced by G.
Protein change: p.Leu1234Ter; replaces leucine 1234 with a stop codon.
Molecular consequence: nonsense.
Genome position (GRCh38, 1-based): chr5:177,212,100, T>G. VCF-style: chr5-177212100-T-G. GRCh37 (hg19) VCF-style: chr5-176639101-T-G.
Other names: c.2828T>G, p.Leu943Ter (NM_001365684.2, NM_001409306.1, NM_001409307.1 and 3 more transcripts); c.3701T>G, p.Leu1234Ter (NM_001409301.1, NM_001409302.1, NM_001409303.1); c.3281T>G, p.Leu1094Ter (NM_001409304.1); c.2948T>G, p.Leu983Ter (NM_001409305.1); short protein forms L1234*, L965*, L1094*, L983*, L943*.
Identifiers: ClinVar variation 1365499 (VCV001365499.6), dbSNP rs2149849285, ClinGen allele CA362327189.
Genomic context (GRCh38, chr5:177,212,100, plus strand): 5'-TTGAGGAACCACTGACAGAGCAAAATCATGCTGACTGCTTAGATTCAGCTGGGCCACGGT[T>G]AAATGTTTGTGATAAATCCAGTGCCAGCATTGGTGACATGGAAAAGGAGCCAGGAATTCC-3'